The following is an entry in ClinVar:

NM_000048.4(ASL):c.35G>T (p.Arg12Leu)

Gene: ASL (argininosuccinate lyase; plus strand). Cytogenetic location: 7q11.21.
Variant type: single nucleotide variant.
Coding change: c.35G>T on transcript NM_000048.4 (MANE Select); coding-DNA position 35, G replaced by T.
Protein change: p.Arg12Leu; replaces arginine 12 with leucine.
Molecular consequence: missense variant.
Genome position (GRCh38, 1-based): chr7:66,081,825, G>T. VCF-style: chr7-66081825-G-T. GRCh37 (hg19) VCF-style: chr7-65546812-G-T.
Other names: c.35G>T, p.Arg12Leu (NM_001024943.2, NM_001024944.2, NM_001024946.2); short protein forms R12L.
Identifiers: ClinVar variation 2581264 (VCV002581264.1), dbSNP rs145138923, ClinGen allele CA367637678.

ClinVar aggregate classification (germline): Uncertain significance (1 of 4 stars; one submission).

Submission:

Women's Health and Genetics/Laboratory Corporation of America, LabCorp
Classification: Uncertain significance. Last evaluated: 2023-08-03. Review status: criteria provided, single submitter. Criteria: LabCorp Variant Classification Summary - May 2015. Collection method: clinical testing. Allele origin: germline.
Comment: Variant summary: ASL c.35G>T (p.Arg12Leu) results in a non-conservative amino acid change located in the Argininosuccinate lyase domain (IPR009049) of the encoded protein sequence. Five of five in-silico tools predict a damaging effect of the variant on protein function. The variant was absent in 250818 control chromosomes. The available data on variant occurrences in the general population are insufficient to allow any conclusion about variant significance. To our knowledge, no occurrence of c.35G>T in individuals affected with Argininosuccinic Aciduria and no experimental evidence demonstrating its impact on protein function have been reported. Another variant at the Arg12 residue has been reported as associated with disease (c.35G>A, p. Arg12Gln), suggesting that this codon is functionally important. No submitters have cited clinical-significance assessments for this variant to ClinVar after 2014. Based on the evidence outlined above, the variant was classified as uncertain significance.